The following is an entry in ClinVar:

NM_004181.5(UCHL1):c.414del (p.Ile139fs)

Gene: UCHL1 (ubiquitin C-terminal hydrolase L1; plus strand). Cytogenetic location: 4p13.
Variant type: Deletion.
Coding change: c.414del on transcript NM_004181.5 (MANE Select); coding-DNA position 414, one base deleted (C; older notation c.414delC).
Protein change: p.Ile139fs; shifts the reading frame from isoleucine 139.
Molecular consequence: frameshift variant.
Genome position (GRCh38, 1-based): chr4:41,261,878, C deleted; the last of 2 consecutive C bases (chr4:41,261,877-41,261,878); deleting either gives the same sequence. VCF-style (leftmost placement, unchanged base first): chr4-41261876-GC-G. GRCh37 (hg19) VCF-style: chr4-41263893-GC-G.
Other names: short protein forms I139fs.
Identifiers: ClinVar variation 3573612 (VCV003573612.1).

ClinVar aggregate classification (germline): Uncertain significance (1 of 4 stars; one submission).

Submission:

GeneDx
Classification: Uncertain significance. Last evaluated: 2024-07-10. Review status: criteria provided, single submitter. Criteria: GeneDx Variant Classification Process June 2021. Collection method: clinical testing. Allele origin: germline. Affected: yes.
Comment: Not observed at significant frequency in large population cohorts (gnomAD); Frameshift variant predicted to result in protein truncation or nonsense mediated decay in a gene or region of a gene for which loss of function is not a well-established mechanism of disease; Has not been previously published as pathogenic or benign to our knowledge